The following is an entry in ClinVar:

NM_000463.3(UGT1A1):c.826G>C (p.Gly276Arg)

Genes: UGT1A8 (UDP glucuronosyltransferase family 1 member A8; plus strand), UGT1A3 (UDP glucuronosyltransferase family 1 member A3; plus strand), UGT1A7 (UDP glucuronosyltransferase family 1 member A7; plus strand), UGT1A9 (UDP glucuronosyltransferase family 1 member A9; plus strand), UGT1A6 (UDP glucuronosyltransferase family 1 member A6; plus strand) and 5 more. Cytogenetic location: 2q37.1.
Variant type: single nucleotide variant.
Coding change: c.826G>C on transcript NM_000463.3 (MANE Select); coding-DNA position 826, G replaced by C.
Protein change: p.Gly276Arg; replaces glycine 276 with arginine.
Molecular consequence: missense variant. On other transcripts: intron variant (9).
Genome position (GRCh38, 1-based): chr2:233,761,113, G>C. VCF-style: chr2-233761113-G-C. GRCh37 (hg19) VCF-style: chr2-234669759-G-C.
Other names: c.856-5921G>C (NM_019076.5, NM_019075.4, NM_021027.3 and 1 more transcripts); c.61-5921G>C (NM_205862.3); c.862-5921G>C (NM_001072.4); c.868-5921G>C (NM_019078.2, NM_007120.3, NM_019093.4); short protein forms G276R.
Identifiers: ClinVar variation 1333431 (VCV001333431.1), dbSNP rs72551345, ClinGen allele CA2179894.

ClinVar aggregate classification (germline): Pathogenic (1 of 4 stars; one submission).

Conditions:
Crigler-Najjar syndrome, type II. Also called: HYPERBILIRUBINEMIA, CRIGLER-NAJJAR TYPE II; Crigler Najjar syndrome, type 2; Mutation in the UDP-glucuronosyl-transferase gene. Identifiers: Orphanet 205, Orphanet 79235, MedGen C2931132, MONDO:0011725, OMIM 606785.

gnomAD v4.1: 9 of 1,614,106 alleles (0.00056%); highest among the groups gnomAD compares: South Asian, 0.0099%; no homozygotes.

Submission:

3billion
Classification: Pathogenic for Crigler-Najjar syndrome, type II. Last evaluated: 2022-01-03. Review status: criteria provided, single submitter. Criteria: ACMG Guidelines, 2015. Collection method: clinical testing. Allele origin: germline. Affected: yes. Observed: 1 homozygote.
Comment: Functional studies provide strong evidence of the variant having a damaging effect on the gene or gene product (PMID:7852413, PS3_S). In silico tool predictions suggest damaging effect of the variant on gene or gene product (REVEL: 0.922, 3CNET: 0.985, PP3_P). A missense variant is a common mechanism associated with Crigler-Najjar syndrome (PP2_P). It is observed at an extremely low frequency in the gnomAD v2.1.1 dataset (total allele frequency: 0.000008, PM2_M). Therefore, this variant is classified as pathogenic according to the recommendation of ACMG/AMP guideline.

Literature cited by the submitters: PubMed 7852413.